The following is an entry in ClinVar:

NM_001793.6(CDH3):c.743C>A (p.Thr248Asn)

Gene: CDH3 (cadherin 3; plus strand). Cytogenetic location: 16q22.1.
Variant type: single nucleotide variant.
Coding change: c.743C>A on transcript NM_001793.6 (MANE Select); coding-DNA position 743, C replaced by A.
Protein change: p.Thr248Asn; replaces threonine 248 with asparagine.
Molecular consequence: missense variant.
Genome position (GRCh38, 1-based): chr16:68,679,850, C>A. VCF-style: chr16-68679850-C-A. GRCh37 (hg19) VCF-style: chr16-68713753-C-A.
Other names: c.743C>A (NM_001793.4); c.743C>A, p.Thr248Asn (NM_001317195.3); c.578C>A, p.Thr193Asn (NM_001317196.2); short protein forms T193N, T248N.
Identifiers: ClinVar variation 1717200 (VCV001717200.8), dbSNP rs1347747808, ClinGen allele CA396450126.
Genomic context (GRCh38, chr16:68,679,850, plus strand): 5'-TCTCTCCAGGTACTTCTGTGATGCAGGTGACAGCCACGGATGAGGATGATGCCATCTACA[C>A]CTACAATGGGGTGGTTGCTTACTCCATCCATAGCCAAGAACCAAAGGACCCACACGACCT-3'
Protein context (NP_001784.2, residues 238-258): TATDEDDAIY[Thr248Asn]YNGVVAYSIH

ClinVar aggregate classification (germline): Uncertain significance. Review status: criteria provided, multiple submitters, no conflicts (2 of 4 stars). 2 submissions from 2 submitters: Uncertain significance (2). Last evaluated 2026-01-14.

Conditions:
Inborn genetic diseases. Identifiers: MedGen C0950123, MeSH D030342.

Allele frequency attached by ClinVar (database versions not stated): gnomAD exomes below 0.00001.
gnomAD v4.1: 5 of 1,613,614 alleles (0.00031%); highest among the groups gnomAD compares: Non-Finnish European, 0.00042%; no homozygotes.

Submissions (2):

Ambry Genetics
Classification: Uncertain significance for Inborn genetic diseases. Last evaluated: 2026-01-14. Review status: criteria provided, single submitter. Criteria: Ambry Variant Classification Scheme 2023. Collection method: clinical testing. Allele origin: germline.

Labcorp Genetics (formerly Invitae), Labcorp
Classification: Uncertain significance. Last evaluated: 2022-08-20. Review status: criteria provided, single submitter. Criteria: Invitae Variant Classification Sherloc (09022015). Collection method: clinical testing. Allele origin: germline.
Comment: This sequence change replaces threonine, which is neutral and polar, with asparagine, which is neutral and polar, at codon 248 of the CDH3 protein (p.Thr248Asn). This variant has not been reported in the literature in individuals affected with CDH3-related conditions. This variant is present in population databases (no rsID available, gnomAD 0.002%). Algorithms developed to predict the effect of missense changes on protein structure and function are either unavailable or do not agree on the potential impact of this missense change (SIFT: "Not Available"; PolyPhen-2: "Probably Damaging"; Align-GVGD: "Not Available"). In summary, the available evidence is currently insufficient to determine the role of this variant in disease. Therefore, it has been classified as a Variant of Uncertain Significance.